The following is an entry in ClinVar:

NM_001377.3(DYNC2H1):c.5093C>A (p.Ser1698Ter)

Gene: DYNC2H1 (dynein cytoplasmic 2 heavy chain 1; plus strand). Cytogenetic location: 11q22.3.
Variant type: single nucleotide variant.
Coding change: c.5093C>A on transcript NM_001377.3 (MANE Select); coding-DNA position 5093, C replaced by A.
Protein change: p.Ser1698Ter; replaces serine 1698 with a stop codon.
Molecular consequence: nonsense.
Genome position (GRCh38, 1-based): chr11:103,170,232, C>A. VCF-style: chr11-103170232-C-A. GRCh37 (hg19) VCF-style: chr11-103040961-C-A.
Other names: c.5093C>A, p.Ser1698Ter (NM_001080463.2); short protein forms S1698*.
Identifiers: ClinVar variation 5013136 (VCV005013136.1).

ClinVar aggregate classification (germline): Pathogenic (1 of 4 stars; one submission).

Conditions:
Asphyxiating thoracic dystrophy 3. Also called: Saldino-Noonan Syndrome; SHORT-RIB THORACIC DYSPLASIA 3 WITH OR WITHOUT POLYDACTYLY; POLYDACTYLY WITH NEONATAL CHONDRODYSTROPHY, TYPE I; SHORT-RIB THORACIC DYSPLASIA 3/6 WITH POLYDACTYLY, DIGENIC; Short rib polydactyly syndrome 2B. Identifiers: Orphanet 474, Orphanet 93269, Orphanet 93270, Orphanet 93271, MedGen C0036069, MONDO:0013127, OMIM 613091.

Submission:

Myriad Genetics, Inc.
Classification: Pathogenic for Asphyxiating thoracic dystrophy 3. Last evaluated: 2024-06-02. Review status: criteria provided, single submitter. Criteria: Myriad Autosomal Dominant, Autosomal Recessive and X-Linked Classification Criteria (2023). Collection method: clinical testing. Allele origin: unknown.
Comment: NM_001377.2(DYNC2H1):c.5093C>A(S1698*) is expected to be pathogenic in the context of DYNC2H1-related disorders. This variant is predicted to lead to an abnormal or absent protein product due to the creation of a premature termination codon in DYNC2H1, a gene where loss-of-function variants are known to be pathogenic. Please note: this variant was assessed in the context of healthy population screening.